The following is an entry in ClinVar:

NM_000051.4(ATM):c.881del (p.Gly294fs)

Gene: ATM (ATM serine/threonine kinase; plus strand). Cytogenetic location: 11q22.3.
Variant type: Deletion.
Coding change: c.881del on transcript NM_000051.4 (MANE Select); coding-DNA position 881, one base deleted (G; older notation c.881delG).
Protein change: p.Gly294fs; shifts the reading frame from glycine 294.
Molecular consequence: frameshift variant.
Genome position (GRCh38, 1-based): chr11:108,245,006, G deleted; the last of 2 consecutive G bases (chr11:108,245,005-108,245,006); deleting either gives the same sequence. VCF-style (leftmost placement, unchanged base first): chr11-108245004-AG-A. GRCh37 (hg19) VCF-style: chr11-108115731-AG-A.
Other names: c.881del, p.Gly294fs (NM_001351834.2); short protein forms G294fs.
Identifiers: ClinVar variation 4617992 (VCV004617992.1).

ClinVar aggregate classification (germline): Pathogenic (1 of 4 stars; one submission).

Conditions:
Hereditary cancer-predisposing syndrome. Also called: Neoplastic Syndromes, Hereditary; Tumor predisposition; Hereditary Cancer Syndrome; Hereditary neoplastic syndrome. Identifiers: Orphanet 140162, MedGen C0027672, MeSH D009386, MONDO:0015356.

Submission:

Ambry Genetics
Classification: Pathogenic for Hereditary cancer-predisposing syndrome. Last evaluated: 2025-11-07. Review status: criteria provided, single submitter. Criteria: Ambry Variant Classification Scheme 2023. Collection method: clinical testing. Allele origin: germline.
Comment: The c.881delG pathogenic mutation, located in coding exon 6 of the ATM gene, results from a deletion of one nucleotide at nucleotide position 881, causing a translational frameshift with a predicted alternate stop codon (p.G294Efs*26). This variant is considered to be rare based on population cohorts in the Genome Aggregation Database (gnomAD). This alteration is expected to result in loss of function by premature protein truncation or nonsense-mediated mRNA decay. As such, this alteration is interpreted as a disease-causing mutation.